The following is an entry in ClinVar:

NM_004370.6(COL12A1):c.6935C>T (p.Pro2312Leu)

Gene: COL12A1 (collagen type XII alpha 1 chain; minus strand). Cytogenetic location: 6q13.
Variant type: single nucleotide variant.
Coding change: c.6935C>T on transcript NM_004370.6 (MANE Select); coding-DNA position 6935, C replaced by T.
Protein change: p.Pro2312Leu; replaces proline 2312 with leucine.
Molecular consequence: missense variant.
Genome position (GRCh38, 1-based): chr6:75,123,341, G>A on the plus strand (C>T on the coding strand, the complement: COL12A1 is on the minus strand). VCF-style: chr6-75123341-G-A. GRCh37 (hg19) VCF-style: chr6-75833057-G-A.
Other names: c.6935C>T, p.Pro2312Leu (NM_001424113.1); c.6914C>T, p.Pro2305Leu (NM_001424114.1); c.6662C>T, p.Pro2221Leu (NM_001424115.1); c.3443C>T, p.Pro1148Leu (NM_001424116.1, NM_080645.3); short protein forms P2221L, P1148L, P2305L, P2312L.
Identifiers: ClinVar variation 4792646 (VCV004792646.1).

ClinVar aggregate classification (germline): Uncertain significance (1 of 4 stars; one submission).

Conditions:
Ullrich congenital muscular dystrophy 2 (UCMD2). Identifiers: Orphanet 75840, MedGen C4225314, MONDO:0014654, OMIM 616470.
Bethlem myopathy 2 (BTHLM2). Identifiers: Orphanet 536516, Orphanet 610, MedGen C4225313, MONDO:0034022, OMIM 616471.

Submission:

Labcorp Genetics (formerly Invitae), Labcorp
Classification: Uncertain significance for Bethlem myopathy 2; Ullrich congenital muscular dystrophy 2. Last evaluated: 2025-10-21. Review status: criteria provided, single submitter. Criteria: Invitae Variant Classification Sherloc (09022015). Collection method: clinical testing. Allele origin: germline.
Comment: This sequence change replaces proline, which is neutral and non-polar, with leucine, which is neutral and non-polar, at codon 2312 of the COL12A1 protein (p.Pro2312Leu). This variant is not present in population databases (gnomAD no frequency). This variant has not been reported in the literature in individuals affected with COL12A1-related conditions. Invitae Evidence Modeling of protein sequence and biophysical properties (such as structural, functional, and spatial information, amino acid conservation, physicochemical variation, residue mobility, and thermodynamic stability) indicates that this missense variant is expected to disrupt COL12A1 protein function with a positive predictive value of 80%. In summary, the available evidence is currently insufficient to determine the role of this variant in disease. Therefore, it has been classified as a Variant of Uncertain Significance.